The following is an entry in ClinVar:

ClinVar aggregate classification (germline): Uncertain significance. Review status: criteria provided, multiple submitters, no conflicts (2 of 4 stars). 2 submissions from 2 submitters: Uncertain significance (2). Last evaluated 2025-11-25.

Conditions:
Autoimmune interstitial lung disease-arthritis syndrome. Also called: Autoinflammation and autoimmunity, systemic, with immune dysregulation. Identifiers: Orphanet 444092, MedGen C5975714, MONDO:0014629.
Inborn genetic diseases. Identifiers: MedGen C0950123, MeSH D030342.

gnomAD v4.1: 9 of 1,614,222 alleles (0.00056%); highest among the groups gnomAD compares: Middle Eastern, 0.016%; no homozygotes.

Submissions (2):

Ambry Genetics
Classification: Uncertain significance for Inborn genetic diseases. Last evaluated: 2025-11-25. Review status: criteria provided, single submitter. Criteria: Ambry Variant Classification Scheme 2023. Collection method: clinical testing. Allele origin: germline.

Labcorp Genetics (formerly Invitae), Labcorp
Classification: Uncertain significance for Autoimmune interstitial lung disease-arthritis syndrome. Last evaluated: 2025-10-04. Review status: criteria provided, single submitter. Criteria: Invitae Variant Classification Sherloc (09022015). Collection method: clinical testing. Allele origin: germline.
Comment: This sequence change replaces asparagine, which is neutral and polar, with serine, which is neutral and polar, at codon 1043 of the COPA protein (p.Asn1043Ser). This variant is not present in population databases (gnomAD no frequency). This variant has not been reported in the literature in individuals affected with COPA-related conditions. Invitae Evidence Modeling of protein sequence and biophysical properties (such as structural, functional, and spatial information, amino acid conservation, physicochemical variation, residue mobility, and thermodynamic stability) indicates that this missense variant is not expected to disrupt COPA protein function with a negative predictive value of 80%. In summary, the available evidence is currently insufficient to determine the role of this variant in disease. Therefore, it has been classified as a Variant of Uncertain Significance.

NM_004371.4(COPA):c.3128A>G (p.Asn1043Ser)

Gene: COPA (coat protein complex I subunit alpha; minus strand). Cytogenetic location: 1q23.2.
Variant type: single nucleotide variant.
Coding change: c.3128A>G on transcript NM_004371.4 (MANE Select); coding-DNA position 3128, A replaced by G.
Protein change: p.Asn1043Ser; replaces asparagine 1043 with serine.
Molecular consequence: missense variant.
Genome position (GRCh38, 1-based): chr1:160,292,031, T>C on the plus strand (A>G on the coding strand, the complement: COPA is on the minus strand). VCF-style: chr1-160292031-T-C. GRCh37 (hg19) VCF-style: chr1-160261821-T-C.
Other names: c.3155A>G, p.Asn1052Ser (NM_001098398.2); short protein forms N1052S, N1043S.
Identifiers: ClinVar variation 4616383 (VCV004616383.2).